The following is an entry in ClinVar:

ClinVar aggregate classification (germline): Pathogenic (1 of 4 stars; one submission).

Submission:

Labcorp Genetics (formerly Invitae), Labcorp
Classification: Pathogenic. Last evaluated: 2025-03-23. Review status: criteria provided, single submitter. Criteria: Invitae Variant Classification Sherloc (09022015). Collection method: clinical testing. Allele origin: germline.
Comment: This sequence change creates a premature translational stop signal (p.Thr177Tyrfs*7) in the MCM3AP gene. It is expected to result in an absent or disrupted protein product. Loss-of-function variants in MCM3AP are known to be pathogenic (PMID: 28633435). This variant is present in population databases (rs778126344, gnomAD 0.0009%). This variant has not been reported in the literature in individuals affected with MCM3AP-related conditions. For these reasons, this variant has been classified as Pathogenic.

Literature cited by the submitters: PubMed 28633435.

NM_003906.5(MCM3AP):c.528dup (p.Thr177fs)

Gene: MCM3AP (minichromosome maintenance complex component 3 associated protein; minus strand). Cytogenetic location: 21q22.3.
Variant type: Duplication.
Coding change: c.528dup on transcript NM_003906.5 (MANE Select); coding-DNA position 528, one base duplicated (T; older notation c.528dupT).
Protein change: p.Thr177fs; shifts the reading frame from threonine 177.
Molecular consequence: frameshift variant.
Genome position (GRCh38, 1-based): chr21:46,284,759, A duplicated on the plus strand (T on the coding strand, the reverse complement: MCM3AP is on the minus strand); the first of 6 consecutive A bases (chr21:46,284,759-46,284,764); duplicating any one gives the same sequence. VCF-style (leftmost placement, unchanged base first): chr21-46284758-T-TA. GRCh37 (hg19) VCF-style: chr21-47704672-T-TA.
Other names: short protein forms T177fs.
Identifiers: ClinVar variation 4714561 (VCV004714561.1).